The following is an entry in ClinVar:

ClinVar aggregate classification (germline): Uncertain significance (1 of 4 stars; one submission).

Conditions:
Hereditary cancer-predisposing syndrome. Also called: Neoplastic Syndromes, Hereditary; Tumor predisposition; Hereditary Cancer Syndrome; Hereditary neoplastic syndrome. Identifiers: Orphanet 140162, MedGen C0027672, MeSH D009386, MONDO:0015356.

Submission:

Ambry Genetics
Classification: Uncertain significance for Hereditary cancer-predisposing syndrome. Last evaluated: 2025-09-29. Review status: criteria provided, single submitter. Criteria: Ambry Variant Classification Scheme 2023. Collection method: clinical testing. Allele origin: germline.
Comment: The p.R101T variant (also known as c.302G>C), located in coding exon 1 of the AXIN2 gene, results from a G to C substitution at nucleotide position 302. The arginine at codon 101 is replaced by threonine, an amino acid with similar properties. This amino acid position is conserved. In addition, this alteration is predicted to be tolerated by in silico analysis. Based on the available evidence, the clinical significance of this variant remains unclear.

NM_004655.4(AXIN2):c.302G>C (p.Arg101Thr)

Gene: AXIN2 (axin 2; minus strand). Cytogenetic location: 17q24.1.
Variant type: single nucleotide variant.
Coding change: c.302G>C on transcript NM_004655.4 (MANE Select); coding-DNA position 302, G replaced by C.
Protein change: p.Arg101Thr; replaces arginine 101 with threonine.
Molecular consequence: missense variant.
Genome position (GRCh38, 1-based): chr17:65,558,319, C>G on the plus strand (G>C on the coding strand, the complement: AXIN2 is on the minus strand). VCF-style: chr17-65558319-C-G. GRCh37 (hg19) VCF-style: chr17-63554437-C-G.
Other names: c.302G>C, p.Arg101Thr (NM_001363813.1); short protein forms R101T.
Identifiers: ClinVar variation 4619574 (VCV004619574.1).